The following is an entry in ClinVar:

NM_020937.4(FANCM):c.931T>G (p.Phe311Val)

Gene: FANCM (FA complementation group M; plus strand). Cytogenetic location: 14q21.2.
Variant type: single nucleotide variant.
Coding change: c.931T>G on transcript NM_020937.4 (MANE Select); coding-DNA position 931, T replaced by G.
Protein change: p.Phe311Val; replaces phenylalanine 311 with valine.
Molecular consequence: missense variant.
Genome position (GRCh38, 1-based): chr14:45,151,409, T>G. VCF-style: chr14-45151409-T-G. GRCh37 (hg19) VCF-style: chr14-45620612-T-G.
Other names: c.853T>G, p.Phe285Val (NM_001308133.2); c.931T>G, p.Phe311Val (NM_001308134.2); short protein forms F285V, F311V.
Identifiers: ClinVar variation 4841769 (VCV004841769.1).

ClinVar aggregate classification (germline): Uncertain significance (1 of 4 stars; one submission).

Conditions:
Inborn genetic diseases. Identifiers: MedGen C0950123, MeSH D030342.

Submission:

Ambry Genetics
Classification: Uncertain significance for Inborn genetic diseases. Last evaluated: 2026-01-12. Review status: criteria provided, single submitter. Criteria: Ambry Variant Classification Scheme 2023. Collection method: clinical testing. Allele origin: germline.
Comment: The p.F311V variant (also known as c.931T>G), located in coding exon 5 of the FANCM gene, results from a T to G substitution at nucleotide position 931. The phenylalanine at codon 311 is replaced by valine, an amino acid with highly similar properties. This amino acid position is conserved. In addition, this alteration is predicted to be tolerated by in silico analysis. Based on the available evidence, the clinical significance of this variant remains unclear.